The following is an entry in ClinVar:

NM_005235.3(ERBB4):c.1810A>G (p.Ile604Val)

Gene: ERBB4 (erb-b2 receptor tyrosine kinase 4; minus strand). Cytogenetic location: 2q34.
Variant type: single nucleotide variant.
Coding change: c.1810A>G on transcript NM_005235.3 (MANE Select); coding-DNA position 1810, A replaced by G.
Protein change: p.Ile604Val; replaces isoleucine 604 with valine.
Molecular consequence: missense variant.
Genome position (GRCh38, 1-based): chr2:211,665,384, T>C on the plus strand (A>G on the coding strand, the complement: ERBB4 is on the minus strand). VCF-style: chr2-211665384-T-C. GRCh37 (hg19) VCF-style: chr2-212530109-T-C.
Other names: c.1810A>G, p.Ile604Val (NM_001042599.2); short protein forms I604V.
Identifiers: ClinVar variation 1413801 (VCV001413801.7), dbSNP rs1360886598, ClinGen allele CA350783115.

ClinVar aggregate classification (germline): Uncertain significance. Review status: criteria provided, single submitter (1 of 4 stars). 2 submissions from 2 submitters: Uncertain significance (1). 1 of the submissions does not count toward it. Last evaluated 2022-09-07.

Conditions:
ERBB4-related disorder. Also called: ERBB4-related condition.

Allele frequency attached by ClinVar (database versions not stated): TOPMed 0.00001; gnomAD exomes 0.00002.
gnomAD v4.1: 31 of 1,614,054 alleles (0.0019%); highest among the groups gnomAD compares: Non-Finnish European, 0.0025%; no homozygotes.

Submissions (2):

Labcorp Genetics (formerly Invitae), Labcorp
Classification: Uncertain significance. Last evaluated: 2022-09-07. Review status: criteria provided, single submitter. Criteria: Invitae Variant Classification Sherloc (09022015). Collection method: clinical testing. Allele origin: germline.
Comment: In summary, the available evidence is currently insufficient to determine the role of this variant in disease. Therefore, it has been classified as a Variant of Uncertain Significance. Algorithms developed to predict the effect of missense changes on protein structure and function are either unavailable or do not agree on the potential impact of this missense change (SIFT: "Deleterious"; PolyPhen-2: "Benign"; Align-GVGD: "Class C25"). ClinVar contains an entry for this variant (Variation ID: 1413801). This variant has not been reported in the literature in individuals affected with ERBB4-related conditions. This sequence change replaces isoleucine, which is neutral and non-polar, with valine, which is neutral and non-polar, at codon 604 of the ERBB4 protein (p.Ile604Val). This variant is not present in population databases (gnomAD no frequency).

PreventionGenetics, part of Exact Sciences
Classification: Uncertain significance for ERBB4-related condition. Last evaluated: 2024-05-10. Review status: no assertion criteria provided. Collection method: clinical testing. Allele origin: germline. Not counted in ClinVar's aggregate classification.
Comment: The ERBB4 c.1810A>G variant is predicted to result in the amino acid substitution p.Ile604Val. To our knowledge, this variant has not been reported in the literature or in a large population database, indicating this variant is rare. At this time, the clinical significance of this variant is uncertain due to the absence of conclusive functional and genetic evidence.